The following is an entry in ClinVar:

ClinVar aggregate classification (germline): Uncertain significance. Review status: criteria provided, multiple submitters, no conflicts (2 of 4 stars). 2 submissions from 2 submitters: Uncertain significance (2). Last evaluated 2025-08-20.

Conditions:
Primary ciliary dyskinesia. Also called: Ciliary dyskinesia. Identifiers: Orphanet 244, MedGen C0008780, MONDO:0016575, HP:0012265.

Allele frequency attached by ClinVar (database versions not stated): gnomAD exomes 0.00001; gnomAD 0.00002; 1000 Genomes Project 30x 0.00047; 1000 Genomes Project 0.00060.
gnomAD v4.1: 23 of 1,613,030 alleles (0.0014%); highest among the groups gnomAD compares: East Asian, 0.013%; no homozygotes.

Submissions (2):

Ambry Genetics
Classification: Uncertain significance. Last evaluated: 2025-08-20. Review status: criteria provided, single submitter. Criteria: Ambry Variant Classification Scheme 2023. Collection method: clinical testing. Allele origin: germline.

Labcorp Genetics (formerly Invitae), Labcorp
Classification: Uncertain significance for Primary ciliary dyskinesia. Last evaluated: 2022-11-01. Review status: criteria provided, single submitter. Criteria: Invitae Variant Classification Sherloc (09022015). Collection method: clinical testing. Allele origin: germline.
Comment: In summary, the available evidence is currently insufficient to determine the role of this variant in disease. Therefore, it has been classified as a Variant of Uncertain Significance. Advanced modeling of protein sequence and biophysical properties (such as structural, functional, and spatial information, amino acid conservation, physicochemical variation, residue mobility, and thermodynamic stability) performed at Invitae indicates that this missense variant is not expected to disrupt DNAH8 protein function. This variant has not been reported in the literature in individuals affected with DNAH8-related conditions. This variant is present in population databases (rs564074826, gnomAD 0.01%). This sequence change replaces isoleucine, which is neutral and non-polar, with threonine, which is neutral and polar, at codon 4500 of the DNAH8 protein (p.Ile4500Thr).

NM_001206927.2(DNAH8):c.13499T>C (p.Ile4500Thr)

Gene: DNAH8 (dynein axonemal heavy chain 8; plus strand). Cytogenetic location: 6p21.2.
Variant type: single nucleotide variant.
Coding change: c.13499T>C on transcript NM_001206927.2 (MANE Select); coding-DNA position 13499, T replaced by C.
Protein change: p.Ile4500Thr; replaces isoleucine 4500 with threonine.
Molecular consequence: missense variant.
Genome position (GRCh38, 1-based): chr6:39,012,342, T>C. VCF-style: chr6-39012342-T-C. GRCh37 (hg19) VCF-style: chr6-38980118-T-C.
Other names: c.12848T>C, p.Ile4283Thr (NM_001371.4); c.13499T>C (NM_001206927.1); short protein forms I4283T, I4500T.
Identifiers: ClinVar variation 1901370 (VCV001901370.6), dbSNP rs564074826, ClinGen allele CA137579299.